The following is an entry in ClinVar:

ClinVar aggregate classification (germline): Uncertain significance (1 of 4 stars; one submission).

Submission:

Laboratorio de Genetica e Diagnostico Molecular, Hospital Israelita Albert Einstein
Classification: Uncertain significance. Last evaluated: 2020-12-07. Review status: criteria provided, single submitter. Criteria: ACMG Guidelines, 2015. Collection method: clinical testing. Allele origin: germline. Affected: yes.
Comment: ACMG classification criteria: PM2, PP3

NM_001130438.3(SPTAN1):c.5990T>C (p.Ile1997Thr)

Gene: SPTAN1 (spectrin alpha, non-erythrocytic 1; plus strand). Cytogenetic location: 9q34.11.
Variant type: single nucleotide variant.
Coding change: c.5990T>C on transcript NM_001130438.3 (MANE Select); coding-DNA position 5990, T replaced by C.
Protein change: p.Ile1997Thr; replaces isoleucine 1997 with threonine.
Molecular consequence: missense variant.
Genome position (GRCh38, 1-based): chr9:128,624,485, T>C. VCF-style: chr9-128624485-T-C. GRCh37 (hg19) VCF-style: chr9-131386764-T-C.
Other names: c.5915T>C, p.Ile1972Thr (NM_001195532.2); c.5990T>C, p.Ile1997Thr (NM_001363759.2, NM_001375310.1, NM_001375311.2 and 1 more transcripts); c.5930T>C, p.Ile1977Thr (NM_001363765.2, NM_001375314.2); c.6026T>C, p.Ile2009Thr (NM_001375312.2, NM_001375318.1); c.5975T>C, p.Ile1992Thr (NM_003127.4); short protein forms I1972T, I1977T, I1992T, I1997T, I2009T.
Identifiers: ClinVar variation 1690985 (VCV001690985.2), dbSNP rs2131924355, ClinGen allele CA375083424.